The following is an entry in ClinVar:

ClinVar aggregate classification (germline): Benign. Review status: criteria provided, multiple submitters, no conflicts (2 of 4 stars). 3 submissions from 3 submitters: Benign (2). 1 of the submissions does not count toward it. Last evaluated 2026-02-02.

Conditions:
GLE1-related disorder. Also called: GLE1-related disorders; GLE1-related condition.
Lethal congenital contractural syndrome Finnish type.

Allele frequency attached by ClinVar (database versions not stated): ESP Exome Variant Server 0.00015; gnomAD 0.00075 and 0.00097; TOPMed 0.00105; ExAC 0.00140; gnomAD exomes 0.00159; 1000 Genomes Project 30x 0.00484; 1000 Genomes Project 0.00499.
gnomAD v4.1: 827 of 1,611,930 alleles (0.051%); highest among the groups gnomAD compares: East Asian, 1.2%; 11 homozygotes.

Submissions (3):

Labcorp Genetics (formerly Invitae), Labcorp
Classification: Benign. Last evaluated: 2026-02-02. Review status: criteria provided, single submitter. Criteria: Invitae Variant Classification Sherloc (09022015). Collection method: clinical testing. Allele origin: germline.

PreventionGenetics, part of Exact Sciences
Classification: Benign for GLE1-related condition. Last evaluated: 2025-04-23. Review status: criteria provided, single submitter. Criteria: ACMG Guidelines, 2015. Collection method: clinical testing. Allele origin: germline.
Comment: This variant is classified as benign based on ACMG/AMP sequence variant interpretation guidelines (Richards et al. 2015 PMID: 25741868, with internal and published modifications).

Natera, Inc.
Classification: Likely benign for Lethal congenital contractural syndrome Finnish type. Last evaluated: 2019-12-04. Review status: no assertion criteria provided. Collection method: clinical testing. Allele origin: germline. Not counted in ClinVar's aggregate classification.

NM_001003722.2(GLE1):c.444G>A (p.Arg148=)

Gene: GLE1 (GLE1 RNA export mediator; plus strand). Cytogenetic location: 9q34.11.
Variant type: single nucleotide variant.
Coding change: c.444G>A on transcript NM_001003722.2 (MANE Select); coding-DNA position 444, G replaced by A.
Protein change: p.Arg148=; no amino-acid change (arginine 148 retained).
Molecular consequence: synonymous variant.
Genome position (GRCh38, 1-based): chr9:128,522,679, G>A. VCF-style: chr9-128522679-G-A. GRCh37 (hg19) VCF-style: chr9-131284958-G-A.
Other names: c.444G>A, p.Arg148= (NM_001499.2).
Identifiers: ClinVar variation 704315 (VCV000704315.14), dbSNP rs143856051, ClinGen allele CA5263604.
Genomic context (GRCh38, chr9:128,522,679, plus strand): 5'-GAGAGAGATTCCATCTTAAAAAAAAAAAAAAAAAAAAAAACCTTTTCAGGAGGGCCTGAG[G>A]CTATGGCAGGAGGAGCAGGAGAGGAAGGTGCAAGCCCTCTCGGAGATGGCATCTGAACAA-3'
Protein context (NP_001003722.1, residues 138-158): VHRMKGTEGL[Arg148=]LWQEEQERKV